The following is an entry in ClinVar:

NC_000009.12:g.35658036_35658042dup

Gene: RMRP (RNA component of mitochondrial RNA processing endoribonuclease; minus strand). Cytogenetic location: 9p13.3.
Variant type: Duplication.
Genome position: GRCh38 VCF-style: chr9-35658035-A-AGAGTAGT. GRCh37 (hg19) VCF-style: chr9-35658032-A-AGAGTAGT.
Identifiers: ClinVar variation 553917 (VCV000553917.15), dbSNP rs1554651543, ClinGen allele CA658821618.
Genomic context (GRCh38, chr9:35,658,035, plus strand): 5'-AGTCCTCAGTGTGTAGCCTAGGATACAGGCCTTCAGCACGAACCACGTCCTCAGCTTCAC[A>AGAGTAGT]GAGTAGTATTTTATAGCCCTAAAGAAATTGTGTTTTATGATTAGGGTGAGAAAGTTGGTG-3'

ClinVar aggregate classification (germline): Pathogenic. Review status: criteria provided, multiple submitters, no conflicts (2 of 4 stars). 4 submissions from 4 submitters: Pathogenic (3). 1 of the submissions does not count toward it. Last evaluated 2025-11-04.

Conditions:
Anauxetic dysplasia. Identifiers: Orphanet 93347, MedGen C1846796, MONDO:0011773.
Metaphyseal chondrodysplasia, McKusick type (CHH). Also called: Cartilage-hair hypoplasia; Cartilage-Hair Hypoplasia (CHH). Identifiers: Orphanet 175, MedGen C0220748, MONDO:0009595, OMIM 250250.

Submissions (4):

Natera, Inc.
Classification: Pathogenic for Cartilage-hair hypoplasia. Last evaluated: 2025-11-04. Review status: criteria provided, single submitter. Criteria: Natera Variant Classification Schema (03/2026). Collection method: clinical testing. Allele origin: germline.
Comment: The n.-24_-18dupACTACTC variant in RMRP is a duplication affecting the RMRP promoter region between the TATA box and the transcription initiation site. Other duplications and insertions just upstream of the transcription initiation site have been reported in individuals affected with cartilage-hair hypoplasia (PMID: 11207361, 17937437). This variant is rare in the general population with a frequency below the threshold expected for the associated phenotype(s). This variant has been observed in one or more individuals affected with the associated recessive disease, as either homozygous or compound heterozygous with a second variant (PMID: 21063072). Given the available evidence, this variant is classified as Pathogenic.

Labcorp Genetics (formerly Invitae), Labcorp
Classification: Pathogenic for Anauxetic dysplasia. Last evaluated: 2025-03-17. Review status: criteria provided, single submitter. Criteria: Invitae Variant Classification Sherloc (09022015). Collection method: clinical testing. Allele origin: germline.
Comment: This variant occurs in the RMRP gene, which encodes an RNA molecule that does not result in a protein product. This variant is not present in population databases (gnomAD no frequency). This variant has been observed in individuals with cartilage-hair hypoplasia (PMID: 21063072). Other insertions and duplications immediately upstream of the coding sequence have been reported in individuals affected with cartilage-hair hypoplasia-anauxetic dysplasia (CHH-AD) spectrum disorders (PMID: 16244706, 11207361, 12107819). This variant is also known as g.-19_-25dupACTACTC. ClinVar contains an entry for this variant (Variation ID: 553917). While functional studies for this variant have not been reported, experimental analyses using patient derived cells, as well as in vitro transfection studies, have shown that promoter insertions result in silencing of RMRP transcription and reduced expression of the gene product (PMID: 11207361, 16254002). For these reasons, this variant has been classified as Pathogenic.

Women's Health and Genetics/Laboratory Corporation of America, LabCorp
Classification: Pathogenic for Metaphyseal chondrodysplasia, McKusick type. Last evaluated: 2023-07-26. Review status: criteria provided, single submitter. Criteria: LabCorp Variant Classification Summary - May 2015. Collection method: clinical testing. Allele origin: germline.
Comment: Variant summary: RMRP n.-24_-18dupACTACTC involves the duplication of seven nucleotides in the promoter region of the RMRP gene which is located between the TATA box (at position -33 to -25) and the transcription initiation site (at +1). Other insertions or duplications in the promoter region of RMRP have been classified as pathogenic (internally and in ClinVar). The variant was absent in 127922 control chromosomes. n.-24_-18dupACTACTC has been reported in the literature in at least one individual affected with Cartilage-Hair Hypoplasia (e.g. Vatanavicharn_2010). To our knowledge, no experimental evidence demonstrating an impact on protein function has been reported. However, many other insertions or duplications in the promoter region of RMRP have been reported in affected individuals in the literature (e.g. PMIDs: 21956908, 21396580) and have been demonstrated through functional studies to lead to reduced RMRP transcription (e.g. PMIDs: 11207361, 16254002). The following publication has been ascertained in the context of this evaluation (PMID: 21063072). Two other clinical diagnostic laboratories have submitted clinical-significance assessments for this variant to ClinVar after 2014 without evidence for independent evaluation. Both laboratories cited the variant as pathogenic/likely pathogenic. Based on the evidence outlined above, the variant was classified as pathogenic.

Counsyl
Classification: Likely pathogenic for Metaphyseal chondrodysplasia, McKusick type. Last evaluated: 2017-09-20. Review status: no assertion criteria provided. Collection method: clinical testing. Allele origin: unknown. Not counted in ClinVar's aggregate classification.

Literature cited by the submitters: PubMed 11207361 (cited by 3 submitters); PubMed 17937437 (cited by Natera, Inc. and Counsyl); PubMed 21063072 (cited by 4 submitters); PubMed 16244706 (cited by Labcorp Genetics (formerly Invitae), Labcorp); PubMed 12107819 (cited by Labcorp Genetics (formerly Invitae), Labcorp); PubMed 16254002 (cited by Labcorp Genetics (formerly Invitae), Labcorp and Counsyl); PubMed 14608646 (cited by Counsyl).